The following is an entry in ClinVar:

ClinVar aggregate classification (germline): Pathogenic. Review status: criteria provided, multiple submitters, no conflicts (2 of 4 stars). 11 submissions from 11 submitters: Pathogenic (11). Last evaluated 2025-04-23.

Conditions:
Retinitis pigmentosa 59 (RP59). Identifiers: Orphanet 791, MedGen C3151227, MONDO:0013468, OMIM 613861.
DHDDS-related disorders.
Developmental delay and seizures with or without movement abnormalities. Identifiers: MedGen C4693376, MONDO:0044326, OMIM 617836.

Submissions (11):

Variantyx, Inc.
Classification: Pathogenic for Developmental delay and seizures with or without movement abnormalities. Last evaluated: 2025-04-23. Review status: criteria provided, single submitter. Criteria: Variantyx Assertion Criteria 2022. Collection method: clinical testing. Allele origin: germline. Inheritance: Autosomal dominant inheritance. Affected: yes.
Comment: This is a nonsynonymous variant in the DHDDS gene (OMIM: 608172). Pathogenic variants in this gene have been associated with autosomal dominant developmental delay and seizures with or without movement abnormalities. This variant has been reported in at least 2 unrelated affected individual(s) (PMID: 33057194, 33798445) (PS4)). Functional studies have shown that this variant alters DHDDS protein function (PMID: 33798445, 34382076) (PS3) and multiple computational algorithms predict a deleterious effect for this variant (REVEL score: 0.825) (PP3). This variant is absent from control populations (PM2. Based on the current evidence, this variant is classified as pathogenic for autosomal dominant developmental delay and seizures with or without movement abnormalities.

CeGaT Center for Human Genetics Tuebingen
Classification: Pathogenic. Last evaluated: 2025-03-01. Review status: criteria provided, single submitter. Criteria: CeGaT Center For Human Genetics Tuebingen Variant Classification Criteria Version 2. Collection method: clinical testing. Allele origin: germline. Affected: yes. Observed: 1 variant allele.
Comment: DHDDS: PS2, PM2, PS4:Moderate, PM1:Supporting, PP4

GeneDx
Classification: Pathogenic. Last evaluated: 2025-02-28. Review status: criteria provided, single submitter. Criteria: GeneDx Variant Classification Process June 2021. Collection method: clinical testing. Allele origin: germline. Affected: yes.
Comment: In silico analysis, which includes splice predictors and evolutionary conservation, suggests this variant may impact gene splicing. In the absence of RNA/functional studies, the actual effect of this sequence change is unknown.; In silico analysis supports that this missense variant has a deleterious effect on protein structure/function; Not observed at significant frequency in large population cohorts (gnomAD); This variant is associated with the following publications: (PMID: 33798445, 34382076, 34182312, 34837344, 34275143, 37356182, 35982159, 33057194, 37645600)

Blueprint Genetics
Classification: Pathogenic for DHDDS-related disorders. Last evaluated: 2023-10-18. Review status: criteria provided, single submitter. Criteria: ACMG Guidelines, 2015. Collection method: clinical testing. Allele origin: germline. Affected: yes. Observed: 1 variant allele.

Labcorp Genetics (formerly Invitae), Labcorp
Classification: Pathogenic for Retinitis pigmentosa 59. Last evaluated: 2023-10-11. Review status: criteria provided, single submitter. Criteria: Invitae Variant Classification Sherloc (09022015). Collection method: clinical testing. Allele origin: germline.
Comment: This sequence change replaces arginine, which is basic and polar, with glutamine, which is neutral and polar, at codon 205 of the DHDDS protein (p.Arg205Gln). This variant is not present in population databases (gnomAD no frequency). This missense change has been observed in individual(s) with clinical features of developmental and epileptic encephalopathy (PMID: 33798445, 34182312; Invitae). In at least one individual the variant was observed to be de novo. It has also been observed to segregate with disease in related individuals. ClinVar contains an entry for this variant (Variation ID: 570739). Advanced modeling of protein sequence and biophysical properties (such as structural, functional, and spatial information, amino acid conservation, physicochemical variation, residue mobility, and thermodynamic stability) performed at Invitae indicates that this missense variant is expected to disrupt DHDDS protein function. Algorithms developed to predict the effect of sequence changes on RNA splicing suggest that this variant may create or strengthen a splice site. For these reasons, this variant has been classified as Pathogenic.

Greenwood Genetic Center Diagnostic Laboratories, Greenwood Genetic Center
Classification: Pathogenic for Developmental delay and seizures with or without movement abnormalities. Last evaluated: 2023-07-26. Review status: criteria provided, single submitter. Criteria: ACMG Guidelines, 2015. Collection method: clinical testing. Allele origin: germline. Affected: yes.
Comment: PS3, PS4_Moderate, PM2, PM6, PP3

Baylor Genetics
Classification: Pathogenic for Developmental delay and seizures with or without movement abnormalities. Last evaluated: 2023-03-29. Review status: criteria provided, single submitter. Criteria: ACMG Guidelines, 2015. Collection method: clinical testing. Allele origin: unknown.

Illumina Laboratory Services, Illumina
Classification: Pathogenic for Developmental delay and seizures with or without movement abnormalities. Last evaluated: 2022-12-02. Review status: criteria provided, single submitter. Criteria: ICSLVariantClassificationCriteria RUGD 01 April 2020. Collection method: clinical testing. Allele origin: unknown.
Comment: The DHDDS c.614G>A (p.Arg205Gln) missense variant results in the substitution of arginine at amino acid position 205 with glutamine. This variant has been reported in a heterozygous state in six individuals with features of developmental delay and seizures with or without movement abnormalities in the peer-reviewed literature, occurring de novo in at least two cases and in a familial case in an affected mother and two daughters (PMID: 33798445; PMID: 34182312; PMID: 34275143; PMID: 34382076). This variant is not found in version 2.1.1 or version 3.1.2 of the Genome Aggregation Database. Functional studies have demonstrated that yeast harboring the c.614G>A variant show growth deficiency and low cis-PTase activity compared to wild type yeast (PMID: 34382076). The variant was identified in a de novo state. Based on the available evidence, the c.614G>A (p.Arg205Gln) variant is classified as pathogenic for developmental delay and seizures with or without movement abnormalities.

Fundacion Publica Galega de Medicina Xenomica, Servicio Galego de Saude
Classification: Pathogenic for Developmental delay and seizures with or without movement abnormalities. Last evaluated: 2022-10-21. Review status: criteria provided, single submitter. Criteria: ACMG Guidelines, 2015. Collection method: clinical testing. Allele origin: de novo. Inheritance: Autosomal dominant inheritance. Affected: yes.
Comment: DHDDS(NM_205861.3):c.614G>A p.(Arg205Gln) is a missense variant considered deleterious to DHDDS protein function or structure by most bioinformatic predictors, which has been corroborated by functional studies (PMID: 33798445). The variant is not reported in population frequency databases but has been reported in the literature in individuals affected with Developmental Delay And Seizures With Or Without Movement Abnormalities with de novo inheritance (PMID: 34275143, 34182312, 34382076). Variants of this type in DHDDS gene, even in the same exon, have been classified as pathogenic for DEVELOPMENTAL DELAY AND SEIZURES WITH OR WITHOUT MOVEMENT ANOMALIES (OMIM 617836). With the currently available evidence this variant is considered pathogenic according to ACMG + ACGS guidelines (Class 5).

Women's Health and Genetics/Laboratory Corporation of America, LabCorp
Classification: Pathogenic for Developmental delay and seizures with or without movement abnormalities. Last evaluated: 2022-04-06. Review status: criteria provided, single submitter. Criteria: LabCorp Variant Classification Summary - May 2015. Collection method: clinical testing. Allele origin: germline.
Comment: Variant summary: DHDDS c.614G>A (p.Arg205Gln) results in a conservative amino acid change in the encoded protein sequence. Four of five in-silico tools predict a damaging effect of the variant on protein function. The variant was absent in 251480 control chromosomes. c.614G>A has been reported in the literature in individuals affected with Developmental Delay And Seizures With Or Without Movement Abnormalities with de novo inheritance (Wood_2021, Jiao_2022, Galosi_2022), and once with unknown inheritance (Courage_2021). These data indicate that the variant is likely to be associated with disease. Functional studies on patient fibroblasts showed decreased membrane cisPTase activity, altered levels of ICAM1 and LAMP1 proteins and cholesterol accumulation, consistent with a protein N-glycosylation defect (Courage_2021). Additionally, DHDDS-P233R did not support yeast growth in cells lacking endogenous genes critical for cis-PTase activity, further confirming their predicted essential role in enzymatic activity (Galosi_2022). This Two clinical diagnostic laboratories have submitted clinical-significance assessments for this variant to ClinVar after 2014 without evidence for independent evaluation. All laboratories classified the variant as pathogenic/likely pathogenic. Based on the evidence outlined above, the variant was classified as pathogenic.

Juno Genomics, Hangzhou Juno Genomics, Inc
Classification: Pathogenic for Developmental delay and seizures with or without movement abnormalities. Review status: criteria provided, single submitter. Criteria: ACMG Guidelines, 2015. Collection method: clinical testing. Allele origin: germline. Affected: yes.
Comment: Absent from controls (or at extremely low frequency if recessive) in Genome Aggregation Database, Exome Sequencing Project, 1000 Genomes Project, or Exome Aggregation Consortium.;Multiple lines of computational evidence support a deleterious effect on the gene or gene product (conservation, evolutionary, splicing impact, etc).;The prevalence of the variant in affected individuals is significantly increased compared to the prevalence in controls.;Assumed de novo, but without confirmation of paternity and maternity.;Co-segregation with disease in multiple affected family members in a gene definitively known to cause the disease.;Located in a mutational hot spot and/or critical and well-established functional domain (e.g. active site of an enzyme) without benign variation.

Literature cited by the submitters: PubMed 33798445 (cited by 4 submitters); PubMed 34382076 (cited by 4 submitters); PubMed 33057194 (cited by Variantyx, Inc.); PubMed 34182312 (cited by 4 submitters); PubMed 34275143 (cited by 3 submitters).

NM_205861.3(DHDDS):c.614G>A (p.Arg205Gln)

Gene: DHDDS (dehydrodolichyl diphosphate synthase subunit; plus strand). Cytogenetic location: 1p36.11.
Variant type: single nucleotide variant.
Coding change: c.614G>A on transcript NM_205861.3 (MANE Select); coding-DNA position 614, G replaced by A.
Protein change: p.Arg205Gln; replaces arginine 205 with glutamine.
Molecular consequence: missense variant.
Genome position (GRCh38, 1-based): chr1:26,457,862, G>A. VCF-style: chr1-26457862-G-A. GRCh37 (hg19) VCF-style: chr1-26784353-G-A.
Other names: c.512G>A, p.Arg171Gln (NM_001243564.2); c.497G>A, p.Arg166Gln (NM_001243565.2); c.335G>A, p.Arg112Gln (NM_001319959.2); c.614G>A, p.Arg205Gln (NM_024887.4); short protein forms R205Q, R171Q, R112Q, R166Q.
Identifiers: ClinVar variation 570739 (VCV000570739.29), dbSNP rs1557447255, ClinGen allele CA339144756.